The following is an entry in ClinVar:

NM_001271.4(CHD2):c.5119C>T (p.Arg1707Ter)

Gene: CHD2 (chromodomain helicase DNA binding protein 2; plus strand). Cytogenetic location: 15q26.1.
Variant type: single nucleotide variant.
Coding change: c.5119C>T on transcript NM_001271.4 (MANE Select); coding-DNA position 5119, C replaced by T.
Protein change: p.Arg1707Ter; replaces arginine 1707 with a stop codon.
Molecular consequence: nonsense.
Genome position (GRCh38, 1-based): chr15:93,020,224, C>T. VCF-style: chr15-93020224-C-T. GRCh37 (hg19) VCF-style: chr15-93563454-C-T.
Other names: short protein forms R1707*.
Identifiers: ClinVar variation 3644302 (VCV003644302.2).

ClinVar aggregate classification (germline): Uncertain significance (1 of 4 stars; one submission).

Conditions:
Developmental and epileptic encephalopathy 94 (DEE94). Also called: Epileptic encephalopathy, childhood-onset; CHD2-Related Neurodevelopmental Disorders. Identifiers: Orphanet 1942, Orphanet 2382, MedGen C3809278, MONDO:0014150, OMIM 615369.

gnomAD v4.1: 2 of 1,613,946 alleles (0.00012%); highest among the groups gnomAD compares: Non-Finnish European, 0.00017%; no homozygotes.

Submission:

Labcorp Genetics (formerly Invitae), Labcorp
Classification: Uncertain significance for Developmental and epileptic encephalopathy 94. Last evaluated: 2025-03-23. Review status: criteria provided, single submitter. Criteria: Invitae Variant Classification Sherloc (09022015). Collection method: clinical testing. Allele origin: germline.
Comment: This sequence change creates a premature translational stop signal (p.Arg1707*) in the CHD2 gene. While this is not anticipated to result in nonsense mediated decay, it is expected to disrupt the last 122 amino acid(s) of the CHD2 protein. This variant is not present in population databases (gnomAD no frequency). This premature translational stop signal has been observed in individual(s) with clinical features of CHD2-related conditions (internal data). This variant disrupts a region of the CHD2 protein in which other variant(s) (p.His1737Gln) have been observed in individuals with CHD2-related conditions (internal data). This suggests that this is a clinically significant region of the protein, and that variants that disrupt it are likely to be disease-causing. In summary, the available evidence is currently insufficient to determine the role of this variant in disease. Therefore, it has been classified as a Variant of Uncertain Significance.